The following is an entry in ClinVar:

ClinVar aggregate classification (germline): Pathogenic (1 of 4 stars; one submission).

Conditions:
Primary ciliary dyskinesia. Also called: Ciliary dyskinesia. Identifiers: Orphanet 244, MedGen C0008780, MONDO:0016575, HP:0012265.

Allele frequency attached by ClinVar (database versions not stated): gnomAD 0.00003 and 0.00004; gnomAD exomes 0.00004; TOPMed 0.00004; ExAC 0.00005.

Submission:

Labcorp Genetics (formerly Invitae), Labcorp
Classification: Pathogenic for Primary ciliary dyskinesia. Last evaluated: 2024-06-03. Review status: criteria provided, single submitter. Criteria: Invitae Variant Classification Sherloc (09022015). Collection method: clinical testing. Allele origin: germline.
Comment: This sequence change creates a premature translational stop signal (p.Thr3991Glnfs*19) in the DNAH8 gene. It is expected to result in an absent or disrupted protein product. Loss-of-function variants in DNAH8 are known to be pathogenic (PMID: 24307375, 32619401, 32681648). This variant is present in population databases (rs756851431, gnomAD 0.008%). This variant has not been reported in the literature in individuals affected with DNAH8-related conditions. ClinVar contains an entry for this variant (Variation ID: 943724). For these reasons, this variant has been classified as Pathogenic.

Literature cited by the submitters: PubMed 24307375; PubMed 32619401; PubMed 32681648.

NM_001206927.2(DNAH8):c.11967del (p.Thr3991fs)

Genes: DNAH8-AS1 (DNAH8 antisense RNA 1; minus strand), DNAH8 (dynein axonemal heavy chain 8; plus strand). Cytogenetic location: 6p21.2.
Variant type: Deletion.
Coding change: c.11967del on transcript NM_001206927.2 (MANE Select); coding-DNA position 11967, one base deleted (A; older notation c.11967delA).
Protein change: p.Thr3991fs; shifts the reading frame from threonine 3991.
Molecular consequence: frameshift variant.
Genome position (GRCh38, 1-based): chr6:38,938,948, A deleted. VCF-style (leftmost placement, unchanged base first): chr6-38938947-GA-G. GRCh37 (hg19) VCF-style: chr6-38906723-GA-G.
Other names: c.11316del, p.Thr3774fs (NM_001371.4); short protein forms T3774fs, T3991fs.
Identifiers: ClinVar variation 943724 (VCV000943724.5), dbSNP rs756851431, ClinGen allele CA3791224.